The following is an entry in ClinVar:

ClinVar aggregate classification (germline): Pathogenic (1 of 4 stars; one submission).

Conditions:
Inborn genetic diseases. Identifiers: MedGen C0950123, MeSH D030342.

Submission:

Ambry Genetics
Classification: Pathogenic for Inborn genetic diseases. Last evaluated: 2022-01-06. Review status: criteria provided, single submitter. Criteria: Ambry Variant Classification Scheme 2023. Collection method: clinical testing. Allele origin: germline.
Comment: The c.4291delC pathogenic mutation, located in coding exon 25 of the SPG11 gene, results from a deletion of one nucleotide at nucleotide position 4291, causing a translational frameshift with a predicted alternate stop codon (p.L1431Ffs*8). This variant is considered to be rare based on population cohorts in the Genome Aggregation Database (gnomAD). This alteration is expected to result in loss of function by premature protein truncation or nonsense-mediated mRNA decay. As such, this alteration is interpreted as a disease-causing mutation.

NM_025137.4(SPG11):c.4291del (p.Leu1431fs)

Genes: SPG11 (SPG11 vesicle trafficking associated, spatacsin; minus strand), LOC130056973 (ATAC-STARR-seq lymphoblastoid active region 9341; plus strand). Cytogenetic location: 15q21.1.
Variant type: Deletion.
Coding change: c.4291del on transcript NM_025137.4 (MANE Select); coding-DNA position 4291, one base deleted (C; older notation c.4291delC).
Protein change: p.Leu1431fs; shifts the reading frame from leucine 1431.
Molecular consequence: frameshift variant.
Genome position (GRCh38, 1-based): chr15:44,596,226, G deleted on the plus strand (C on the coding strand, the reverse complement: SPG11 is on the minus strand). VCF-style (leftmost placement, unchanged base first): chr15-44596225-AG-A. GRCh37 (hg19) VCF-style: chr15-44888423-AG-A.
Other names: c.4291del, p.Leu1431fs (NM_001160227.2); c.4291delC, p.Leu1431Phefs (NM_001411132.1); short protein forms L1431fs.
Identifiers: ClinVar variation 1739445 (VCV001739445.2), dbSNP rs2505370348, ClinGen allele CA2580089682.
Genomic context (GRCh38, chr15:44,596,225, plus strand): 5'-TCCTCTGAGCATTGGAGCAGAATTTCAAATAAATCGGTCATCTCTTGTTTGCTTCCTTGA[AG>A]TTCCTGGGGGCACTTATTGCAGACTTGATCGCTGTCCATTTTGGAGGTGGGCACTGAGGG-3'